The following is an entry in ClinVar:

ClinVar aggregate classification (germline): Uncertain significance (1 of 4 stars; one submission).

Conditions:
Hereditary cancer-predisposing syndrome. Also called: Neoplastic Syndromes, Hereditary; Tumor predisposition; Hereditary Cancer Syndrome; Hereditary neoplastic syndrome. Identifiers: Orphanet 140162, MedGen C0027672, MeSH D009386, MONDO:0015356.

Submission:

Ambry Genetics
Classification: Uncertain significance for Hereditary cancer-predisposing syndrome. Last evaluated: 2015-09-14. Review status: criteria provided, single submitter. Criteria: Ambry Variant Classification Scheme 2023. Collection method: clinical testing. Allele origin: germline.
Comment: The p.M120R variant (also known as c.359T>G), located in coding exon 5 of the RAD51D gene, results from a T to G substitution at nucleotide position 359. The methionine at codon 120 is replaced by arginine, an amino acid with similar properties. This variant was not reported in population based cohorts in the following databases: Database of Single Nucleotide Polymorphisms (dbSNP), NHLBI Exome Sequencing Project (ESP), and 1000 Genomes Project. In the ESP, this variant was not observed in 6503 samples (13006 alleles) with coverage at this position. To date, this alteration has been detected with an allele frequency of approximately 0.002% (greater than 53000 alleles tested) in our clinical cohort. This amino acid position is poorly conserved in available vertebrate species. In addition, the in silico prediction for this alteration is inconclusive. Since supporting evidence is limited at this time, the clinical significance of p.M120R remains unclear.

NM_002878.4(RAD51D):c.359T>G (p.Met120Arg)

Genes: RAD51L3-RFFL (RAD51L3-RFFL readthrough; minus strand), RAD51D (RAD51 paralog D; minus strand). Cytogenetic location: 17q12.
Variant type: single nucleotide variant.
Coding change: c.359T>G on transcript NM_002878.4 (MANE Select); coding-DNA position 359, T replaced by G.
Protein change: p.Met120Arg; replaces methionine 120 with arginine.
Molecular consequence: missense variant. On other transcripts: non-coding transcript variant (1), intron variant (1).
Genome position (GRCh38, 1-based): chr17:35,107,109, A>C on the plus strand (T>G on the coding strand, the complement: RAD51D is on the minus strand). VCF-style: chr17-35107109-A-C. GRCh37 (hg19) VCF-style: chr17-33434128-A-C.
Other names: c.419T>G, p.Met140Arg (NM_001142571.2); c.145-628T>G (NM_133629.3); short protein forms M120R, M140R.
Identifiers: ClinVar variation 233863 (VCV000233863.5), dbSNP rs876660691, ClinGen allele CA10580462.